The following is an entry in ClinVar:

NM_002941.4(ROBO1):c.3952del (p.Leu1318fs)

Gene: ROBO1 (roundabout guidance receptor 1; minus strand). Cytogenetic location: 3p12.3.
Variant type: Deletion.
Coding change: c.3952del on transcript NM_002941.4 (MANE Select); coding-DNA position 3952, one base deleted (C; older notation c.3952delC).
Protein change: p.Leu1318fs; shifts the reading frame from leucine 1318.
Molecular consequence: frameshift variant.
Genome position (GRCh38, 1-based): chr3:78,617,965, G deleted on the plus strand (C on the coding strand, the reverse complement: ROBO1 is on the minus strand); the first of 4 consecutive G bases (chr3:78,617,965-78,617,968); deleting any one gives the same sequence. VCF-style (leftmost placement, unchanged base first): chr3-78617964-AG-A. GRCh37 (hg19) VCF-style: chr3-78667114-AG-A.
Other names: c.3814delC, p.Leu1273Trpfs (NM_001145844.1); c.3652del, p.Leu1218fs (NM_001145845.2); c.3817del, p.Leu1273fs (NM_133631.4); c.3952delC (NM_002941.3); short protein forms L1318fs, L1218fs, L1273fs.
Identifiers: ClinVar variation 2877025 (VCV002877025.4), dbSNP rs2471718612, ClinGen allele CA2666593229.

ClinVar aggregate classification (germline): Pathogenic/Likely pathogenic. Review status: criteria provided, multiple submitters, no conflicts (2 of 4 stars). 2 submissions from 2 submitters: Pathogenic (1); Likely pathogenic (1). Last evaluated 2025-09-21.

Conditions:
ROBO1-related disorder. Also called: ROBO1-related condition.

Submissions (2):

Labcorp Genetics (formerly Invitae), Labcorp
Classification: Pathogenic. Last evaluated: 2025-09-21. Review status: criteria provided, single submitter. Criteria: Invitae Variant Classification Sherloc (09022015). Collection method: clinical testing. Allele origin: germline.
Comment: This sequence change creates a premature translational stop signal (p.Leu1318Trpfs*21) in the ROBO1 gene. It is expected to result in an absent or disrupted protein product. Loss-of-function variants in ROBO1 are known to be pathogenic (PMID: 29194579, 35227688). This variant is not present in population databases (gnomAD no frequency). This variant has not been reported in the literature in individuals affected with ROBO1-related conditions. ClinVar contains an entry for this variant (Variation ID: 2877025). For these reasons, this variant has been classified as Pathogenic.

PreventionGenetics, part of Exact Sciences
Classification: Likely pathogenic for ROBO1-related condition. Last evaluated: 2025-04-25. Review status: criteria provided, single submitter. Criteria: ACMG Guidelines, 2015. Collection method: clinical testing. Allele origin: germline.
Comment: The ROBO1 c.3952delC variant is predicted to result in a frameshift and premature protein termination (p.Leu1318Trpfs*21). To our knowledge, this variant has not been reported in the literature or a large population database (gnomAD), indicating this variant is rare. Frameshift variants in ROBO1 are expected to be pathogenic. This variant is interpreted as likely pathogenic.

Literature cited by the submitters: PubMed 29194579 (cited by Labcorp Genetics (formerly Invitae), Labcorp); PubMed 35227688 (cited by Labcorp Genetics (formerly Invitae), Labcorp).